The following is an entry in ClinVar:

ClinVar aggregate classification (germline): Uncertain significance (1 of 4 stars; one submission).

Conditions:
Hereditary cancer-predisposing syndrome. Also called: Neoplastic Syndromes, Hereditary; Tumor predisposition; Hereditary Cancer Syndrome; Hereditary neoplastic syndrome. Identifiers: Orphanet 140162, MedGen C0027672, MeSH D009386, MONDO:0015356.

Submission:

Ambry Genetics
Classification: Uncertain significance for Hereditary cancer-predisposing syndrome. Last evaluated: 2025-09-25. Review status: criteria provided, single submitter. Criteria: Ambry Variant Classification Scheme 2023. Collection method: clinical testing. Allele origin: germline.
Comment: The p.W948R variant (also known as c.2842T>A), located in coding exon 17 of the PTCH1 gene, results from a T to A substitution at nucleotide position 2842. The tryptophan at codon 948 is replaced by arginine, an amino acid with dissimilar properties. This amino acid position is conserved. In addition, this alteration is predicted to be deleterious by in silico analysis. Based on the available evidence, the clinical significance of this variant remains unclear.

NM_000264.5(PTCH1):c.2842T>A (p.Trp948Arg)

Gene: PTCH1 (patched 1; minus strand). Cytogenetic location: 9q22.32.
Variant type: single nucleotide variant.
Coding change: c.2842T>A on transcript NM_000264.5 (MANE Select); coding-DNA position 2842, T replaced by A.
Protein change: p.Trp948Arg; replaces tryptophan 948 with arginine.
Molecular consequence: missense variant. On other transcripts: non-coding transcript variant (1).
Genome position (GRCh38, 1-based): chr9:95,459,645, A>T on the plus strand (T>A on the coding strand, the complement: PTCH1 is on the minus strand). VCF-style: chr9-95459645-A-T. GRCh37 (hg19) VCF-style: chr9-98221927-A-T.
Other names: c.2644T>A, p.Trp882Arg (NM_001083602.3); c.2839T>A, p.Trp947Arg (NM_001083603.3); c.2389T>A, p.Trp797Arg (NM_001083604.3, NM_001083605.3, NM_001083606.3 and 1 more transcripts); c.2686T>A, p.Trp896Arg (NM_001354918.2); short protein forms W797R, W948R, W882R, W896R, W947R.
Identifiers: ClinVar variation 4674448 (VCV004674448.1).
Genomic context (GRCh38, chr9:95,459,645, plus strand): 5'-TAAAACGCTACTTACTTCTCAGCCTTGTTTCAGGCATGTAGTCGGCTTTGTCGTGGACCC[A>T]TTCTGGTCGGTGTGGCCGGATGTTGGCCTGGGAGGCAGCATACGCGACGGGGTCGTTGCT-3'
Protein context (NP_000255.2, residues 938-958): QANIRPHRPE[Trp948Arg]VHDKADYMPE